The following is an entry in ClinVar:

ClinVar aggregate classification (germline): Uncertain significance (1 of 4 stars; one submission).

Submission:

GeneDx
Classification: Uncertain significance. Last evaluated: 2017-12-19. Review status: criteria provided, single submitter. Criteria: GeneDx Variant Classification (06012015). Collection method: clinical testing. Allele origin: germline. Affected: yes.
Comment: The c.478_482delGAAAGinsAAAA variant in the CELSR2 gene has not been reported previously as a pathogenic variant nor as a benign variant, to our knowledge. The c.478_482delGAAAGinsAAAA variant causes a frameshift starting with codon Glutamic acid 160, changes this amino acid to a Lysine residue, and creates a premature Stop codon at position 16 of the new reading frame, denoted p.Glu160LysfsX16. This variant is predicted to cause loss of normal protein function either through protein truncation or nonsense-mediated mRNA decay. The c.478_482delGAAAGinsAAAA variant is not observed in large population cohorts (Lek et al., 2016). We interpret c.478_482delGAAAGinsAAAA as a variant of uncertain significance.

NM_001408.3(CELSR2):c.478_482delinsAAAA (p.Glu160fs)

Gene: CELSR2 (cadherin EGF LAG seven-pass G-type receptor 2; plus strand). Cytogenetic location: 1p13.3.
Variant type: Indel.
Coding change: c.478_482delinsAAAA on transcript NM_001408.3 (MANE Select); coding-DNA positions 478 to 482, GAAAG replaced by AAAA.
Protein change: p.Glu160fs; shifts the reading frame from glutamic acid 160.
Molecular consequence: frameshift variant.
Genome position (GRCh38, 1-based): chr1:109,250,557-109,250,561, GAAAG replaced by AAAA. VCF-style: chr1-109250557-GAAAG-AAAA. GRCh37 (hg19) VCF-style: chr1-109793179-GAAAG-AAAA.
Other names: short protein forms E160fs.
Identifiers: ClinVar variation 503988 (VCV000503988.2), dbSNP rs1553179390, ClinGen allele CA658795498.